The following is an entry in ClinVar:

NM_006922.4(SCN3A):c.2530G>A (p.Val844Met)

Gene: SCN3A (sodium voltage-gated channel alpha subunit 3; minus strand). Cytogenetic location: 2q24.3.
Variant type: single nucleotide variant.
Coding change: c.2530G>A on transcript NM_006922.4 (MANE Select); coding-DNA position 2530, G replaced by A.
Protein change: p.Val844Met; replaces valine 844 with methionine.
Molecular consequence: missense variant.
Genome position (GRCh38, 1-based): chr2:165,131,279, C>T on the plus strand (G>A on the coding strand, the complement: SCN3A is on the minus strand). VCF-style: chr2-165131279-C-T. GRCh37 (hg19) VCF-style: chr2-165987789-C-T.
Other names: c.2530G>A (NM_006922.3); c.2383G>A, p.Val795Met (NM_001081676.2, NM_001081677.2); short protein forms V795M, V844M.
Identifiers: ClinVar variation 2767109 (VCV002767109.4), dbSNP rs1687300653, ClinGen allele CA349043114.

ClinVar aggregate classification (germline): Uncertain significance. Review status: criteria provided, multiple submitters, no conflicts (2 of 4 stars). 2 submissions from 2 submitters: Uncertain significance (2). Last evaluated 2026-03-18.

Allele frequency attached by ClinVar (database versions not stated): gnomAD exomes below 0.00001; TOPMed 0.00001.
gnomAD v4.1: 2 of 1,600,768 alleles (0.00012%); highest among the groups gnomAD compares: Non-Finnish European, 0.00017%; no homozygotes.

Submissions (2):

GeneDx
Classification: Uncertain significance. Last evaluated: 2026-03-18. Review status: criteria provided, single submitter. Criteria: GeneDx Variant Classification Process June 2021. Collection method: clinical testing. Allele origin: germline.
Comment: Not observed at significant frequency in large population cohorts (gnomAD); In silico analysis suggests that this missense variant does not alter protein structure/function; Has not been previously published as pathogenic or benign to our knowledge

Labcorp Genetics (formerly Invitae), Labcorp
Classification: Uncertain significance. Last evaluated: 2023-06-04. Review status: criteria provided, single submitter. Criteria: Invitae Variant Classification Sherloc (09022015). Collection method: clinical testing. Allele origin: germline.
Comment: In summary, the available evidence is currently insufficient to determine the role of this variant in disease. Therefore, it has been classified as a Variant of Uncertain Significance. Advanced modeling of protein sequence and biophysical properties (such as structural, functional, and spatial information, amino acid conservation, physicochemical variation, residue mobility, and thermodynamic stability) performed at Invitae indicates that this missense variant is not expected to disrupt SCN3A protein function. This variant has not been reported in the literature in individuals affected with SCN3A-related conditions. This variant is not present in population databases (gnomAD no frequency). This sequence change replaces valine, which is neutral and non-polar, with methionine, which is neutral and non-polar, at codon 844 of the SCN3A protein (p.Val844Met).